The following is an entry in ClinVar:

ClinVar aggregate classification (germline): Uncertain significance. Review status: criteria provided, multiple submitters, no conflicts (2 of 4 stars). 2 submissions from 2 submitters: Uncertain significance (2). Last evaluated 2025-08-26.

Conditions:
Inborn genetic diseases. Identifiers: MedGen C0950123, MeSH D030342.

Allele frequency attached by ClinVar (database versions not stated): gnomAD 0.00001; gnomAD exomes 0.00002; TOPMed 0.00003; ExAC 0.00006.

Submissions (2):

Ambry Genetics
Classification: Uncertain significance for Inborn genetic diseases. Last evaluated: 2025-08-26. Review status: criteria provided, single submitter. Criteria: Ambry Variant Classification Scheme 2023. Collection method: clinical testing. Allele origin: germline.

Labcorp Genetics (formerly Invitae), Labcorp
Classification: Uncertain significance. Last evaluated: 2022-04-23. Review status: criteria provided, single submitter. Criteria: Invitae Variant Classification Sherloc (09022015). Collection method: clinical testing. Allele origin: germline.
Comment: This sequence change replaces tyrosine, which is neutral and polar, with cysteine, which is neutral and slightly polar, at codon 266 of the MFSD2A protein (p.Tyr266Cys). This variant is present in population databases (rs762090384, gnomAD 0.006%). This variant has not been reported in the literature in individuals affected with MFSD2A-related conditions. Algorithms developed to predict the effect of missense changes on protein structure and function (SIFT, PolyPhen-2, Align-GVGD) all suggest that this variant is likely to be disruptive. In summary, the available evidence is currently insufficient to determine the role of this variant in disease. Therefore, it has been classified as a Variant of Uncertain Significance.

NM_032793.5(MFSD2A):c.758A>G (p.Tyr253Cys)

Gene: MFSD2A (MFSD2 lysolipid transporter A, lysophospholipid; plus strand). Cytogenetic location: 1p34.2.
Variant type: single nucleotide variant.
Coding change: c.758A>G on transcript NM_032793.5 (MANE Select); coding-DNA position 758, A replaced by G.
Protein change: p.Tyr253Cys; replaces tyrosine 253 with cysteine.
Molecular consequence: missense variant. On other transcripts: non-coding transcript variant (1).
Genome position (GRCh38, 1-based): chr1:39,966,644, A>G. VCF-style: chr1-39966644-A-G. GRCh37 (hg19) VCF-style: chr1-40432316-A-G.
Other names: c.797A>G, p.Tyr266Cys (NM_001136493.3); c.290A>G, p.Tyr97Cys (NM_001287808.2); c.641A>G, p.Tyr214Cys (NM_001287809.2); c.752A>G, p.Tyr251Cys (NM_001349821.2); c.758A>G, p.Tyr253Cys (NM_001349822.2); c.413A>G, p.Tyr138Cys (NM_001349823.2); c.797A>G (NM_001136493.1); short protein forms Y138C, Y214C, Y251C, Y253C, Y266C, Y97C.
Identifiers: ClinVar variation 2416794 (VCV002416794.4), dbSNP rs762090384, ClinGen allele CA788773.
Genomic context (GRCh38, chr1:39,966,644, plus strand): 5'-CCTTCACCTCCTTATAGCAAAAGGCATACCTGCTGGCAGCGGGGGTCATTGTCTGTATCT[A>G]TATAATCTGTGCTGTCATCCTGATCCTGGGCGTGCGGGAGCAGAGAGGTAAGGGGGTGCC-3'
Protein context (NP_116182.2, residues 243-263): LLAAGVIVCI[Tyr253Cys]IICAVILILG